The following is an entry in ClinVar:

ClinVar aggregate classification (germline): Conflicting classifications of pathogenicity. Review status: criteria provided, conflicting classifications (1 of 4 stars). 3 submissions from 3 submitters: Uncertain significance (2); Likely benign (1). Last evaluated 2026-01-06.

Allele frequency attached by ClinVar (database versions not stated): TOPMed 0.00010; gnomAD 0.00011 and 0.00015.
gnomAD v4.1: 424 of 1,294,442 alleles (0.033%); highest among the groups gnomAD compares: East Asian, 1.3%; 6 homozygotes.

Submissions (3):

Labcorp Genetics (formerly Invitae), Labcorp
Classification: Uncertain significance. Last evaluated: 2026-01-06. Review status: criteria provided, single submitter. Criteria: Invitae Variant Classification Sherloc (09022015). Collection method: clinical testing. Allele origin: germline.
Comment: This sequence change replaces proline, which is neutral and non-polar, with serine, which is neutral and polar, at codon 80 of the SIX5 protein (p.Pro80Ser). This variant is present in population databases (no rsID available, gnomAD 0.02%). This variant has not been reported in the literature in individuals affected with SIX5-related conditions. ClinVar contains an entry for this variant (Variation ID: 1318014). Invitae Evidence Modeling of protein sequence and biophysical properties (such as structural, functional, and spatial information, amino acid conservation, physicochemical variation, residue mobility, and thermodynamic stability) indicates that this missense variant is not expected to disrupt SIX5 protein function with a negative predictive value of 80%. In summary, the available evidence is currently insufficient to determine the role of this variant in disease. Therefore, it has been classified as a Variant of Uncertain Significance.

Ambry Genetics
Classification: Uncertain significance. Last evaluated: 2024-08-21. Review status: criteria provided, single submitter. Criteria: Ambry Variant Classification Scheme 2023. Collection method: clinical testing. Allele origin: germline.

GeneDx
Classification: Likely benign. Last evaluated: 2021-02-08. Review status: criteria provided, single submitter. Criteria: GeneDx Variant Classification Process June 2021. Collection method: clinical testing. Allele origin: germline. Affected: yes.
Comment: In silico analysis supports that this missense variant does not alter protein structure/function; Has not been previously published as pathogenic or benign to our knowledge

NM_175875.5(SIX5):c.238C>T (p.Pro80Ser)

Genes: DM1-AS (DM1 locus antisense RNA; plus strand), SIX5 (SIX homeobox 5; minus strand), LOC107075317 (origin of replication in DMPK trinucleotide repeat region; plus strand), LOC129929037 (ATAC-STARR-seq lymphoblastoid silent region 10794; plus strand). Cytogenetic location: 19q13.32.
Variant type: single nucleotide variant.
Coding change: c.238C>T on transcript NM_175875.5 (MANE Select); coding-DNA position 238, C replaced by T.
Protein change: p.Pro80Ser; replaces proline 80 with serine.
Molecular consequence: missense variant.
Genome position (GRCh38, 1-based): chr19:45,768,607, G>A on the plus strand (C>T on the coding strand, the complement: SIX5 is on the minus strand). VCF-style: chr19-45768607-G-A. GRCh37 (hg19) VCF-style: chr19-46271865-G-A.
Other names: short protein forms P80S.
Identifiers: ClinVar variation 1318014 (VCV001318014.7), dbSNP rs934739524, ClinGen allele CA309001742.